The following is an entry in ClinVar:

NM_001288705.3(CSF1R):c.929T>A (p.Ile310Asn)

Gene: CSF1R (colony stimulating factor 1 receptor; minus strand). Cytogenetic location: 5q32.
Variant type: single nucleotide variant.
Coding change: c.929T>A on transcript NM_001288705.3 (MANE Select); coding-DNA position 929, T replaced by A.
Protein change: p.Ile310Asn; replaces isoleucine 310 with asparagine.
Molecular consequence: missense variant. On other transcripts: non-coding transcript variant (2).
Genome position (GRCh38, 1-based): chr5:150,073,454, A>T on the plus strand (T>A on the coding strand, the complement: CSF1R is on the minus strand). VCF-style: chr5-150073454-A-T. GRCh37 (hg19) VCF-style: chr5-149453017-A-T.
Other names: c.929T>A, p.Ile310Asn (NM_001349736.2, NM_001375320.1, NM_005211.4); c.485T>A, p.Ile162Asn (NM_001375321.1); short protein forms I162N, I310N.
Identifiers: ClinVar variation 2865291 (VCV002865291.3), dbSNP rs1462650029, ClinGen allele CA361725142.

ClinVar aggregate classification (germline): Uncertain significance (1 of 4 stars; one submission).

gnomAD v4.1: 5 of 1,614,096 alleles (0.00031%); highest among the groups gnomAD compares: Non-Finnish European, 0.00042%; no homozygotes.

Submission:

Labcorp Genetics (formerly Invitae), Labcorp
Classification: Uncertain significance. Last evaluated: 2023-05-17. Review status: criteria provided, single submitter. Criteria: Invitae Variant Classification Sherloc (09022015). Collection method: clinical testing. Allele origin: germline.
Comment: Advanced modeling of protein sequence and biophysical properties (such as structural, functional, and spatial information, amino acid conservation, physicochemical variation, residue mobility, and thermodynamic stability) performed at Invitae indicates that this missense variant is not expected to disrupt CSF1R protein function. In summary, the available evidence is currently insufficient to determine the role of this variant in disease. Therefore, it has been classified as a Variant of Uncertain Significance. This variant is present in population databases (no rsID available, gnomAD 0.0009%). This sequence change replaces isoleucine, which is neutral and non-polar, with asparagine, which is neutral and polar, at codon 310 of the CSF1R protein (p.Ile310Asn). This variant has not been reported in the literature in individuals affected with CSF1R-related conditions.